The following is an entry in ClinVar:

NM_177438.3(DICER1):c.372C>G (p.Tyr124Ter)

Gene: DICER1 (dicer 1, ribonuclease III; minus strand). Cytogenetic location: 14q32.13.
Variant type: single nucleotide variant.
Coding change: c.372C>G on transcript NM_177438.3 (MANE Select); coding-DNA position 372, C replaced by G.
Protein change: p.Tyr124Ter; replaces tyrosine 124 with a stop codon.
Molecular consequence: nonsense. On other transcripts: 5 prime UTR variant (2), non-coding transcript variant (5), intron variant (6).
Genome position (GRCh38, 1-based): chr14:95,131,575, G>C on the plus strand (C>G on the coding strand, the complement: DICER1 is on the minus strand). VCF-style: chr14-95131575-G-C. GRCh37 (hg19) VCF-style: chr14-95597912-G-C.
Other names: c.372C>G, p.Tyr124Ter (NM_001195573.1, NM_001271282.3, NM_001291628.2 and 15 more transcripts); c.90C>G, p.Tyr30Ter (NM_001395686.1); c.-87C>G (NM_001395691.1); c.-1197C>G (NM_001395697.1); c.33+940C>G (NM_001395690.1, NM_001395687.1, NM_001395689.1 and 3 more transcripts); short protein forms Y30*, Y124*.
Identifiers: ClinVar variation 2787728 (VCV002787728.3), dbSNP rs1555376174, ClinGen allele CA390889109.

ClinVar aggregate classification (germline): Pathogenic (1 of 4 stars; one submission).

Conditions:
DICER1-related tumor predisposition. Also called: DICER1 syndrome; DICER1-related pleuropulmonary blastoma cancer predisposition syndrome. Identifiers: Orphanet 284343, MedGen C3839822, MONDO:0100216.

Submission:

Labcorp Genetics (formerly Invitae), Labcorp
Classification: Pathogenic for DICER1-related tumor predisposition. Last evaluated: 2025-06-12. Review status: criteria provided, single submitter. Criteria: Invitae Variant Classification Sherloc (09022015). Collection method: clinical testing. Allele origin: germline.
Comment: This sequence change creates a premature translational stop signal (p.Tyr124*) in the DICER1 gene. It is expected to result in an absent or disrupted protein product. Loss-of-function variants in DICER1 are known to be pathogenic (PMID: 19556464, 21266384). This variant is not present in population databases (gnomAD no frequency). This variant has not been reported in the literature in individuals affected with DICER1-related conditions. ClinVar contains an entry for this variant (Variation ID: 2787728). Algorithms developed to predict the effect of sequence changes on RNA splicing suggest that this variant may disrupt the consensus splice site. For these reasons, this variant has been classified as Pathogenic.

Literature cited by the submitters: PubMed 19556464; PubMed 21266384.